The following is an entry in ClinVar:

ClinVar aggregate classification (germline): Conflicting classifications of pathogenicity. Review status: criteria provided, conflicting classifications (1 of 4 stars). 5 submissions from 5 submitters: Pathogenic (4); Uncertain significance (1). Last evaluated 2025-10-16.

Conditions:
Developmental delay with or without intellectual impairment or behavioral abnormalities. Identifiers: MedGen C5562004, MONDO:0859199, OMIM 619575.
Neurodevelopmental disorder. Identifiers: MedGen C1535926, MeSH D065886, MONDO:0700092.
Inborn genetic diseases. Identifiers: MedGen C0950123, MeSH D030342.

Allele frequency attached by ClinVar (database versions not stated): gnomAD exomes below 0.00001.
gnomAD v4.1: 2 of 1,614,090 alleles (0.00012%); no homozygotes.

Submissions (5):

Ambry Genetics
Classification: Pathogenic for Inborn genetic diseases. Last evaluated: 2025-10-16. Review status: criteria provided, single submitter. Criteria: Ambry Variant Classification Scheme 2023. Collection method: clinical testing. Allele origin: germline.
Comment: The c.2125C>T (p.R709*) alteration, located in exon 17 (coding exon 16) of the TAOK1 gene, consists of a C to T substitution at nucleotide position 2125. This changes the amino acid from an arginine (R) to a stop codon at amino acid position 709. This alteration is expected to result in loss of function by premature protein truncation or nonsense-mediated mRNA decay. Based on data from gnomAD, the T allele has an overall frequency of <0.001% (1/251344) total alleles studied. The highest observed frequency was 0.005% (1/21644) of European (Finnish) alleles. This variant was reported in individuals with features consistent with TAOK1-related neurodevelopmental disorder; in at least one individual, it was determined to be de novo (van Woerden, 2021; Wright, 2024). Based on the available evidence, this alteration is classified as pathogenic.

GeneDx
Classification: Pathogenic. Last evaluated: 2024-10-29. Review status: criteria provided, single submitter. Criteria: GeneDx Variant Classification Process June 2021. Collection method: clinical testing. Allele origin: germline. Affected: yes.
Comment: Nonsense variant predicted to result in protein truncation or nonsense mediated decay in a gene for which loss of function is a known mechanism of disease; This variant is associated with the following publications: (PMID: 38166033, 34768579, 35928450, 35982159, 35982160, 33565190)

Equipe Genetique des Anomalies du Developpement, Université de Bourgogne
Classification: Pathogenic for Developmental delay with or without intellectual impairment or behavioral abnormalities. Last evaluated: 2023-12-04. Review status: criteria provided, single submitter. Criteria: ACMG Guidelines, 2015. Collection method: clinical testing. Allele origin: unknown. Affected: yes.

Victorian Clinical Genetics Services, Murdoch Childrens Research Institute
Classification: Pathogenic for Neurodevelopmental disorder. Last evaluated: 2020-07-02. Review status: criteria provided, single submitter. Criteria: ACMG Guidelines, 2015. Collection method: clinical testing. Allele origin: germline. Inheritance: Autosomal dominant inheritance. Affected: yes.
Comment: Based on the classification scheme VCGS_Germline_v1.1.1, this variant is classified as PATHOGENIC Following criteria are met: 0102 - Loss-of-function is a known mechanism of disease for this gene. (N) 0107 - This gene is known to be associated with autosomal dominant disease. (N) 0201 - Variant is predicted to cause nonsense-mediated decay (NMD) and loss of protein. (P) 0251 - Variant is heterozygous. (N) 0302 - Variant is present in gnomAD <0.001 for a dominant condition (1 heterozygote, 0 homozygotes) (P) 0401 - Variant is located in a gene associated with a severe early-onset dominant condition that is intolerant to loss-of-function variants. (P) 0703 - Comparable NMD-predicted variants have moderate previous evidence for pathogenicity. Other NMD variants previously reported (PMID: 31230721) (P) 0806 - Moderate previous evidence of neutrality in unrelated individuals. Previously reported once as likely benign in LOVD. (N) 0905 - No segregation evidence has been identified for this variant, ie. no segregation studies published in literature. (N) 1007 - No published functional evidence has been identified for this variant. (P) Legend: (P) - Pathogenic, (N) - Neutral, (B) - Benign

New York Genome Center
Classification: Uncertain significance. Last evaluated: 2020-05-21. Review status: criteria provided, single submitter. Criteria: NYGC Assertion Criteria 2020. Collection method: clinical testing. Allele origin: inherited. Observed: 1 heterozygote. Study: CSER-NYCKidSeq.

Literature cited by the submitters: PubMed 33565190 (cited by Ambry Genetics); PubMed 38958063 (cited by Ambry Genetics); PubMed 31230721 (cited by Victorian Clinical Genetics Services, Murdoch Childrens Research Institute).

NM_020791.4(TAOK1):c.2125C>T (p.Arg709Ter)

Gene: TAOK1 (TAO kinase 1; plus strand). Cytogenetic location: 17q11.2.
Variant type: single nucleotide variant.
Coding change: c.2125C>T on transcript NM_020791.4 (MANE Select); coding-DNA position 2125, C replaced by T.
Protein change: p.Arg709Ter; replaces arginine 709 with a stop codon.
Molecular consequence: nonsense. On other transcripts: intron variant (1).
Genome position (GRCh38, 1-based): chr17:29,522,496, C>T. VCF-style: chr17-29522496-C-T. GRCh37 (hg19) VCF-style: chr17-27849514-C-T.
Other names: c.1705-7911C>T (NM_025142.1); short protein forms R709*.
Identifiers: ClinVar variation 1184341 (VCV001184341.7), dbSNP rs1347078601, ClinGen allele CA398911955.